The following is an entry in ClinVar:

NM_139076.3(ABRAXAS1):c.1223C>T (p.Thr408Ile)

Gene: ABRAXAS1 (abraxas 1, BRCA1 A complex subunit; minus strand). Cytogenetic location: 4q21.23.
Variant type: single nucleotide variant.
Coding change: c.1223C>T on transcript NM_139076.3 (MANE Select); coding-DNA position 1223, C replaced by T.
Protein change: p.Thr408Ile; replaces threonine 408 with isoleucine.
Molecular consequence: missense variant.
Genome position (GRCh38, 1-based): chr4:83,462,476, G>A on the plus strand (C>T on the coding strand, the complement: ABRAXAS1 is on the minus strand). VCF-style: chr4-83462476-G-A. GRCh37 (hg19) VCF-style: chr4-84383629-G-A.
Other names: c.896C>T, p.Thr299Ile (NM_001345962.2); short protein forms T299I, T408I.
Identifiers: ClinVar variation 647480 (VCV000647480.11), dbSNP rs368663402, ClinGen allele CA2990351.

ClinVar aggregate classification (germline): Uncertain significance. Review status: criteria provided, multiple submitters, no conflicts (2 of 4 stars). 2 submissions from 2 submitters: Uncertain significance (2). Last evaluated 2023-08-26.

Allele frequency attached by ClinVar (database versions not stated): ExAC 0.00001; gnomAD 0.00001; gnomAD exomes 0.00001 and 0.00002; TOPMed 0.00001; ESP Exome Variant Server 0.00008.
gnomAD v4.1: 27 of 1,610,336 alleles (0.0017%); highest among the groups gnomAD compares: Non-Finnish European, 0.0022%; no homozygotes.

Submissions (2):

Ambry Genetics
Classification: Uncertain significance. Last evaluated: 2023-08-26. Review status: criteria provided, single submitter. Criteria: Ambry Variant Classification Scheme 2023. Collection method: clinical testing. Allele origin: germline.
Comment: The p.T408I variant (also known as c.1223C>T), located in coding exon 9 of the FAM175A gene, results from a C to T substitution at nucleotide position 1223. The threonine at codon 408 is replaced by isoleucine, an amino acid with similar properties. This amino acid position is conserved. In addition, the in silico prediction for this alteration is inconclusive. Since supporting evidence is limited at this time, the clinical significance of this alteration remains unclear.

Labcorp Genetics (formerly Invitae), Labcorp
Classification: Uncertain significance. Last evaluated: 2022-12-23. Review status: criteria provided, single submitter. Criteria: Invitae Variant Classification Sherloc (09022015). Collection method: clinical testing. Allele origin: germline.
Comment: In summary, the available evidence is currently insufficient to determine the role of this variant in disease. Therefore, it has been classified as a Variant of Uncertain Significance. Algorithms developed to predict the effect of missense changes on protein structure and function are either unavailable or do not agree on the potential impact of this missense change (SIFT: "Tolerated"; PolyPhen-2: "Possibly Damaging"; Align-GVGD: "Class C0"). ClinVar contains an entry for this variant (Variation ID: 647480). This variant has not been reported in the literature in individuals affected with ABRAXAS1-related conditions. This variant is present in population databases (rs368663402, gnomAD 0.002%). This sequence change replaces threonine, which is neutral and polar, with isoleucine, which is neutral and non-polar, at codon 408 of the ABRAXAS1 protein (p.Thr408Ile).